The following is an entry in ClinVar:

NM_014714.4(IFT140):c.2038C>T (p.Gln680Ter)

Gene: IFT140 (intraflagellar transport 140; minus strand). Cytogenetic location: 16p13.3.
Variant type: single nucleotide variant.
Coding change: c.2038C>T on transcript NM_014714.4 (MANE Select); coding-DNA position 2038, C replaced by T.
Protein change: p.Gln680Ter; replaces glutamine 680 with a stop codon.
Molecular consequence: nonsense.
Genome position (GRCh38, 1-based): chr16:1,564,026, G>A on the plus strand (C>T on the coding strand, the complement: IFT140 is on the minus strand). VCF-style: chr16-1564026-G-A. GRCh37 (hg19) VCF-style: chr16-1614027-G-A.
Other names: short protein forms Q680*.
Identifiers: ClinVar variation 1428555 (VCV001428555.9), dbSNP rs2141540660, ClinGen allele CA394204819.

ClinVar aggregate classification (germline): Pathogenic/Likely pathogenic. Review status: criteria provided, multiple submitters, no conflicts (2 of 4 stars). 3 submissions from 3 submitters: Pathogenic (1); Likely pathogenic (2). Last evaluated 2025-04-16.

Conditions:
Retinitis pigmentosa 80 (RP80). Identifiers: MedGen C4540439, MONDO:0054708, OMIM 617781.
Saldino-Mainzer syndrome (SRTD9). Also called: Renal dysplasia, retinal pigmentary dystrophy, cerebellar ataxia and skeletal dysplasia; CONORENAL SYNDROME; SHORT-RIB THORACIC DYSPLASIA 9 WITHOUT POLYDACTYLY; short-rib thoracic dysplasia 9 with or without polydactyly. Identifiers: Orphanet 140969, MedGen C1849437, MONDO:0009964, OMIM 266920.

Submissions (3):

Labcorp Genetics (formerly Invitae), Labcorp
Classification: Pathogenic for Saldino-Mainzer syndrome. Last evaluated: 2025-04-16. Review status: criteria provided, single submitter. Criteria: Invitae Variant Classification Sherloc (09022015). Collection method: clinical testing. Allele origin: germline.
Comment: This sequence change creates a premature translational stop signal (p.Gln680*) in the IFT140 gene. It is expected to result in an absent or disrupted protein product. Loss-of-function variants in IFT140 are known to be pathogenic (PMID: 22503633, 23418020, 24009529, 26216056). This variant is not present in population databases (gnomAD no frequency). This variant has not been reported in the literature in individuals affected with IFT140-related conditions. ClinVar contains an entry for this variant (Variation ID: 1428555). For these reasons, this variant has been classified as Pathogenic.

3billion
Classification: Likely pathogenic for Retinitis pigmentosa 80. Last evaluated: 2022-05-22. Review status: criteria provided, single submitter. Criteria: ACMG Guidelines, 2015. Collection method: clinical testing. Allele origin: germline. Affected: yes. Observed: 1 heterozygote.
Comment: The variant is not observed in the gnomAD v2.1.1 dataset. Stop-gained (nonsense): predicted to result in a loss or disruption of normal protein function through nonsense-mediated decay (NMD) or protein truncation. Multiple pathogenic variants are reported downstream of the variant. Therefore, this variant is classified as likely pathogenic according to the recommendation of ACMG/AMP guideline.

Laboratorio de Genetica e Diagnostico Molecular, Hospital Israelita Albert Einstein
Classification: Likely pathogenic. Last evaluated: 2020-02-22. Review status: criteria provided, single submitter. Criteria: ACMG Guidelines, 2015. Collection method: clinical testing. Allele origin: germline. Affected: yes.
Comment: ACMG classification criteria: PVS1, PM2

Literature cited by the submitters: PubMed 22503633 (cited by Labcorp Genetics (formerly Invitae), Labcorp); PubMed 23418020 (cited by Labcorp Genetics (formerly Invitae), Labcorp); PubMed 24009529 (cited by Labcorp Genetics (formerly Invitae), Labcorp); PubMed 26216056 (cited by Labcorp Genetics (formerly Invitae), Labcorp).